The following is an entry in ClinVar:

ClinVar aggregate classification (germline): Likely benign. Review status: criteria provided, single submitter (1 of 4 stars). 2 submissions from 2 submitters: Likely benign (1). 1 of the submissions does not count toward it. Last evaluated 2025-01-18.

Conditions:
HDAC4-related disorder. Also called: HDAC4-related condition.
Inborn genetic diseases. Identifiers: MedGen C0950123, MeSH D030342.

Allele frequency attached by ClinVar (database versions not stated): gnomAD 0.00005; ExAC 0.00007; gnomAD exomes 0.00007; ESP Exome Variant Server 0.00008.
gnomAD v4.1: 115 of 1,608,234 alleles (0.0072%); highest among the groups gnomAD compares: Admixed American, 0.012%; no homozygotes.

Submissions (3):

Ambry Genetics
Classification: Likely benign for Inborn genetic diseases. Last evaluated: 2025-01-18. Review status: criteria provided, single submitter. Criteria: Ambry Variant Classification Scheme 2023. Collection method: clinical testing. Allele origin: germline.

PreventionGenetics, part of Exact Sciences
Classification: Likely benign for HDAC4-related condition. Last evaluated: 2023-12-07. Review status: no assertion criteria provided. Collection method: clinical testing. Allele origin: germline. Not counted in ClinVar's aggregate classification.
Comment: This variant is classified as likely benign based on ACMG/AMP sequence variant interpretation guidelines (Richards et al. 2015 PMID: 25741868, with internal and published modifications).

Dr. Peter K. Rogan Lab, Western University
No classification provided (evidence only). Condition: Cervical cancer. Review status: no classification provided. Collection method: in vitro. Allele origin: not applicable. Functional consequence: retained intron. Not counted in ClinVar's aggregate classification.

NM_001378414.1(HDAC4):c.317C>T (p.Ala106Val)

Gene: HDAC4 (histone deacetylase 4; minus strand). Cytogenetic location: 2q37.3.
Variant type: single nucleotide variant.
Coding change: c.317C>T on transcript NM_001378414.1 (MANE Select); coding-DNA position 317, C replaced by T.
Protein change: p.Ala106Val; replaces alanine 106 with valine.
Molecular consequence: missense variant.
Genome position (GRCh38, 1-based): chr2:239,189,855, G>A on the plus strand (C>T on the coding strand, the complement: HDAC4 is on the minus strand). VCF-style: chr2-239189855-G-A. GRCh37 (hg19) VCF-style: chr2-240111551-G-A.
Other names: NC_000002.11:g.240111551G>A; c.317C>T, p.Ala106Val (NM_001378415.1, NM_001378416.1, NM_001378417.1 and 1 more transcripts); short protein forms A106V.
Identifiers: ClinVar variation 3051903 (VCV003051903.4), dbSNP rs139121214, ClinGen allele CA2200312.
Genomic context (GRCh38, chr2:239,189,855, plus strand): 5'-GAGGCCTGGCCCACCCGCAGCCCCGCACCGCGCCTCACCTTGATGTGCTCGTGGAGCTGC[G>A]CCTCGTGCTGCCGGGAGAGCTGCTCGTGCTGCCTCTGGAACTCAGCGATGAGGATCTGCC-3'
Protein context (NP_001365343.1, residues 96-116): QHEQLSRQHE[Ala106Val]QLHEHIKQQQ